The following is an entry in ClinVar:

NM_001369268.1(ACAN):c.6833C>T (p.Ala2278Val)

Gene: ACAN (aggrecan; plus strand). Cytogenetic location: 15q26.1.
Variant type: single nucleotide variant.
Coding change: c.6833C>T on transcript NM_001369268.1 (MANE Select); coding-DNA position 6833, C replaced by T.
Protein change: p.Ala2278Val; replaces alanine 2278 with valine.
Molecular consequence: missense variant. On other transcripts: intron variant (1).
Genome position (GRCh38, 1-based): chr15:88,860,326, C>T. VCF-style: chr15-88860326-C-T. GRCh37 (hg19) VCF-style: chr15-89403557-C-T.
Other names: c.6833C>T, p.Ala2278Val (NM_013227.4); c.6832+909C>T (NM_001135.4); c.6833C>T (NM_013227.3); short protein forms A2278V.
Identifiers: ClinVar variation 2068986 (VCV002068986.7), dbSNP rs749098394, ClinGen allele CA7720505.

ClinVar aggregate classification (germline): Uncertain significance. Review status: criteria provided, multiple submitters, no conflicts (2 of 4 stars). 2 submissions from 2 submitters: Uncertain significance (2). Last evaluated 2022-09-18.

Allele frequency attached by ClinVar (database versions not stated): gnomAD 0.00004; ExAC 0.00001.
gnomAD v4.1: 9 of 1,605,806 alleles (0.00056%); highest among the groups gnomAD compares: African/African-American, 0.011%; no homozygotes.

Submissions (2):

Labcorp Genetics (formerly Invitae), Labcorp
Classification: Uncertain significance. Last evaluated: 2022-09-18. Review status: criteria provided, single submitter. Criteria: Invitae Variant Classification Sherloc (09022015). Collection method: clinical testing. Allele origin: germline.
Comment: In summary, the available evidence is currently insufficient to determine the role of this variant in disease. Therefore, it has been classified as a Variant of Uncertain Significance. Algorithms developed to predict the effect of missense changes on protein structure and function are either unavailable or do not agree on the potential impact of this missense change (SIFT: "Tolerated"; PolyPhen-2: "Possibly Damaging"; Align-GVGD: "Class C0"). This variant has not been reported in the literature in individuals affected with ACAN-related conditions. The frequency data for this variant in the population databases is considered unreliable, as metrics indicate poor data quality at this position in the gnomAD database. This sequence change replaces alanine, which is neutral and non-polar, with valine, which is neutral and non-polar, at codon 2278 of the ACAN protein (p.Ala2278Val).

Revvity Omics, Revvity
Classification: Uncertain significance. Last evaluated: 2020-05-24. Review status: criteria provided, single submitter. Criteria: ACMG Guidelines, 2015. Collection method: clinical testing. Allele origin: germline.